The following is an entry in ClinVar:

ClinVar aggregate classification (germline): Uncertain significance. Review status: criteria provided, multiple submitters, no conflicts (2 of 4 stars). 3 submissions from 3 submitters: Uncertain significance (3). Last evaluated 2025-02-11.

Conditions:
Age related macular degeneration 1 (ARMD1). Also called: MACULOPATHY, AGE-RELATED, 1. Identifiers: MedGen C1864205, MONDO:0011285, OMIM 603075.

Allele frequency attached by ClinVar (database versions not stated): gnomAD 0.00001; gnomAD exomes 0.00002; TOPMed 0.00002.
gnomAD v4.1: 33 of 1,613,824 alleles (0.002%); highest among the groups gnomAD compares: Middle Eastern, 0.033%; no homozygotes.

Submissions (3):

Labcorp Genetics (formerly Invitae), Labcorp
Classification: Uncertain significance. Last evaluated: 2025-02-11. Review status: criteria provided, single submitter. Criteria: Invitae Variant Classification Sherloc (09022015). Collection method: clinical testing. Allele origin: germline.
Comment: This sequence change replaces valine, which is neutral and non-polar, with methionine, which is neutral and non-polar, at codon 1103 of the HMCN1 protein (p.Val1103Met). This variant is present in population databases (rs762631011, gnomAD 0.003%). This variant has not been reported in the literature in individuals affected with HMCN1-related conditions. ClinVar contains an entry for this variant (Variation ID: 1365469). An algorithm developed to predict the effect of missense changes on protein structure and function (PolyPhen-2) suggests that this variant is likely to be disruptive. In summary, the available evidence is currently insufficient to determine the role of this variant in disease. Therefore, it has been classified as a Variant of Uncertain Significance.

Genome-Nilou Lab
Classification: Uncertain significance for Age related macular degeneration 1. Last evaluated: 2023-04-11. Review status: criteria provided, single submitter. Criteria: ACMG Guidelines, 2015. Collection method: clinical testing. Allele origin: germline. Affected: no.

Ambry Genetics
Classification: Uncertain significance. Last evaluated: 2021-08-09. Review status: criteria provided, single submitter. Criteria: Ambry Variant Classification Scheme 2023. Collection method: clinical testing. Allele origin: germline.

NM_031935.3(HMCN1):c.3307G>A (p.Val1103Met)

Gene: HMCN1 (hemicentin 1; plus strand). Cytogenetic location: 1q31.1.
Variant type: single nucleotide variant.
Coding change: c.3307G>A on transcript NM_031935.3 (MANE Select); coding-DNA position 3307, G replaced by A.
Protein change: p.Val1103Met; replaces valine 1103 with methionine.
Molecular consequence: missense variant.
Genome position (GRCh38, 1-based): chr1:185,990,373, G>A. VCF-style: chr1-185990373-G-A. GRCh37 (hg19) VCF-style: chr1-185959505-G-A.
Other names: c.3307G>A (NM_031935.2); short protein forms V1103M.
Identifiers: ClinVar variation 1365469 (VCV001365469.7), dbSNP rs762631011, ClinGen allele CA33471888.
Genomic context (GRCh38, chr1:185,990,373, plus strand): 5'-CAGGATAAGCCTGTTGAGATCTCCGTCCTTGCAGGGGAAGAGGTAACACTTCCATGTGAA[G>A]TGAAGAGCTTACCTCCACCCATAATTACTTGGGCCAAAGAAACCCAGCTCATCTCACCGT-3'
Protein context (NP_114141.2, residues 1093-1113): AGEEVTLPCE[Val1103Met]KSLPPPIITW